The following is an entry in ClinVar:

ClinVar aggregate classification (germline): Uncertain significance. Review status: reviewed by expert panel (3 of 4 stars). 3 submissions from 3 submitters: Uncertain significance (1). 2 of the submissions do not count toward it. Last evaluated 2025-08-26.

Conditions:
DICER1-related tumor predisposition. Also called: DICER1-related pleuropulmonary blastoma cancer predisposition syndrome; DICER1 syndrome. Identifiers: Orphanet 284343, MedGen C3839822, MONDO:0100216.
Hereditary cancer-predisposing syndrome. Also called: Hereditary neoplastic syndrome; Neoplastic Syndromes, Hereditary; Tumor predisposition; Hereditary Cancer Syndrome. Identifiers: Orphanet 140162, MedGen C0027672, MeSH D009386, MONDO:0015356.

Allele frequency attached by ClinVar (database versions not stated): TOPMed 0.00001.

Submissions (3):

ClinGen DICER1 and miRNA-Processing Gene Variant Curation Expert Panel, ClinGen
Classification: Uncertain significance for DICER1-related tumor predisposition. Last evaluated: 2025-08-26. Review status: reviewed by expert panel. Criteria: ClinGen DICER1 ACMG Specifications DICER1 V1.4.0. Collection method: curation. Allele origin: germline. Inheritance: Autosomal dominant inheritance.
Comment: NM_177438.3(DICER1):c.5375C>G variant in DICER1 is a missense variant predicted to cause substitution of serine by cysteine at amino acid 1792 (p.Ser1792Cys). Although this variant has been observed in individuals undergoing genetic sequencing, to our knowledge, this variant has not been reported in individuals with DICER1-related tumor predisposition (PS4 not met; Internal lab contributors). This variant is absent from gnomAD v4.1.0 (PM2_Supporting). In silico tools predict no damaging impact of the variant on protein function (REVEL: 0.485; MaxEntScan and SpliceAI: no effect on splicing) (BP4). This variant resides within the RNase IIIb domain (PM1_Supporting; PMID: 31342592). In summary, this variant meets the criteria to be classified as Uncertain Significance for DICER1-related tumor predisposition based on the ACMG/AMP criteria applied, as specified by the ClinGen DICER1 VCEP: PM2_Supporting, BP4, PM1_Supporting. (Bayesian Points: 1; VCEP specifications version 1.4.0; 08/26/2025)

Labcorp Genetics (formerly Invitae), Labcorp
Classification: Uncertain significance for DICER1-related tumor predisposition. Last evaluated: 2025-06-08. Review status: criteria provided, single submitter. Criteria: Invitae Variant Classification Sherloc (09022015). Collection method: clinical testing. Allele origin: germline. Not counted in ClinVar's aggregate classification.
Comment: This sequence change replaces serine, which is neutral and polar, with cysteine, which is neutral and slightly polar, at codon 1792 of the DICER1 protein (p.Ser1792Cys). This variant is not present in population databases (gnomAD no frequency). This variant has not been reported in the literature in individuals affected with DICER1-related conditions. ClinVar contains an entry for this variant (Variation ID: 485537). Invitae Evidence Modeling of protein sequence and biophysical properties (such as structural, functional, and spatial information, amino acid conservation, physicochemical variation, residue mobility, and thermodynamic stability) indicates that this missense variant is not expected to disrupt DICER1 protein function with a negative predictive value of 95%. In summary, the available evidence is currently insufficient to determine the role of this variant in disease. Therefore, it has been classified as a Variant of Uncertain Significance.

Ambry Genetics
Classification: Uncertain significance for Hereditary cancer-predisposing syndrome. Last evaluated: 2024-05-03. Review status: criteria provided, single submitter. Criteria: Ambry Variant Classification Scheme 2023. Collection method: clinical testing. Allele origin: germline. Not counted in ClinVar's aggregate classification.
Comment: The p.S1792C variant (also known as c.5375C>G), located in coding exon 24 of the DICER1 gene, results from a C to G substitution at nucleotide position 5375. The serine at codon 1792 is replaced by cysteine, an amino acid with dissimilar properties. This amino acid position is highly conserved in available vertebrate species. In addition, the in silico prediction for this alteration is inconclusive. Based on the available evidence, the clinical significance of this variant remains unclear.

NM_177438.3(DICER1):c.5375C>G (p.Ser1792Cys)

Gene: DICER1 (dicer 1, ribonuclease III; minus strand). Cytogenetic location: 14q32.13.
Variant type: single nucleotide variant.
Coding change: c.5375C>G on transcript NM_177438.3 (MANE Select); coding-DNA position 5375, C replaced by G.
Protein change: p.Ser1792Cys; replaces serine 1792 with cysteine.
Molecular consequence: missense variant. On other transcripts: intron variant (1).
Genome position (GRCh38, 1-based): chr14:95,091,355, G>C on the plus strand (C>G on the coding strand, the complement: DICER1 is on the minus strand). VCF-style: chr14-95091355-G-C. GRCh37 (hg19) VCF-style: chr14-95557692-G-C.
Other names: NM_177438.3(DICER1):c.5375C>G; p.Ser1792Cys; c.5375C>G, p.Ser1792Cys (NM_001271282.3, NM_001291628.2, NM_030621.4); c.5365-246C>G (NM_001195573.1); short protein forms S1792C.
Identifiers: ClinVar variation 485537 (VCV000485537.17), dbSNP rs1225830476, ClinGen allele CA390864803.